The following is an entry in ClinVar:

NM_004385.5(VCAN):c.6776_6778del (p.Gly2259del)

Genes: VCAN (versican; plus strand), VCAN-AS1 (VCAN antisense RNA 1; minus strand). Cytogenetic location: 5q14.3.
Variant type: Deletion.
Coding change: c.6776_6778del on transcript NM_004385.5 (MANE Select); coding-DNA positions 6776 to 6778, 3 bases deleted (GAG; older notation c.6776_6778delGAG).
Protein change: p.Gly2259del; deletes glycine 2259.
Molecular consequence: inframe deletion. On other transcripts: intron variant (2).
Genome position (GRCh38, 1-based): chr5:83,539,779-83,539,781, GAG deleted; deleting any 3 consecutive bases within chr5:83,539,777-83,539,781 gives the same sequence; the c. name uses the placement nearest the transcript's 3' end. VCF-style (leftmost placement, unchanged base first): chr5-83539776-CAGG-C. GRCh37 (hg19) VCF-style: chr5-82835595-CAGG-C.
Other names: c.3815_3817del, p.Gly1272del (NM_001164097.2); c.4004-5758_4004-5756del (NM_001164098.2); c.1043-5758_1043-5756del (NM_001126336.3); short protein forms G1272del, G2259del.
Identifiers: ClinVar variation 956777 (VCV000956777.9), dbSNP rs776094102, ClinGen allele CA3333527.

ClinVar aggregate classification (germline): Uncertain significance (1 of 4 stars; one submission).

Submission:

Labcorp Genetics (formerly Invitae), Labcorp
Classification: Uncertain significance. Last evaluated: 2019-10-31. Review status: criteria provided, single submitter. Criteria: Invitae Variant Classification Sherloc (09022015). Collection method: clinical testing. Allele origin: germline.
Comment: This variant, c.6776_6778del, results in the deletion of 1 amino acid(s) of the VCAN protein (p.Gly2259del), but otherwise preserves the integrity of the reading frame. This variant is present in population databases (rs776094102, ExAC 0.002%). This variant has not been reported in the literature in individuals with VCAN-related conditions. Experimental studies and prediction algorithms are not available or were not evaluated, and the functional significance of this variant is currently unknown. In summary, the available evidence is currently insufficient to determine the role of this variant in disease. Therefore, it has been classified as a Variant of Uncertain Significance.